The following is an entry in ClinVar:

NM_005654.6(NR2F1):c.452T>G (p.Met151Arg)

Genes: NR2F1 (nuclear receptor subfamily 2 group F member 1; plus strand), NR2F1-AS1 (NR2F1 regulatory antisense RNA 1; minus strand). Cytogenetic location: 5q15.
Variant type: single nucleotide variant.
Coding change: c.452T>G on transcript NM_005654.6 (MANE Select); coding-DNA position 452, T replaced by G.
Protein change: p.Met151Arg; replaces methionine 151 with arginine.
Molecular consequence: missense variant. On other transcripts: non-coding transcript variant (8).
Genome position (GRCh38, 1-based): chr5:93,585,475, T>G. VCF-style: chr5-93585475-T-G. GRCh37 (hg19) VCF-style: chr5-92921181-T-G.
Other names: short protein forms M151R.
Identifiers: ClinVar variation 4993936 (VCV004993936.1).
Genomic context (GRCh38, chr5:93,585,475, plus strand): 5'-ACCAGCACCACCGCAACCAGTGCCAATACTGCCGCCTCAAGAAGTGCCTCAAAGTGGGCA[T>G]GAGGCGGGAAGGTGAATATTTCTTCTCTGCTTCTCTCCCCGCGCTTCGCCCGCCTCCCTG-3'
Protein context (NP_005645.1, residues 141-161): CRLKKCLKVG[Met151Arg]RREAVQRGRM

ClinVar aggregate classification (germline): Likely pathogenic (1 of 4 stars; one submission).

Conditions:
NR2F1-related disorder. Also called: NR2F1-related condition.

Submission:

PreventionGenetics, part of Exact Sciences
Classification: Likely pathogenic for NR2F1-related condition. Last evaluated: 2026-03-01. Review status: criteria provided, single submitter. Criteria: ACMG Guidelines, 2015. Collection method: clinical testing. Allele origin: germline.
Comment: The NR2F1 c.452T>G variant is predicted to result in the amino acid substitution p.Met151Arg. This variant has been reported as likely pathogenic in an individual with epilepsy, infantile spasms, frequent seizures, and mental development retardation (Zhang et al. 2020. PubMed ID: 33287870). This variant has not been reported in a large population database (gnomAD), indicating this variant is rare. An alternative de novo variant at this same position (p.Met151Thr) has been reported in an individual with Bosch-Boonstra-Schaaf optic atrophy syndrome (Tang et al. 2025. PubMed ID: 40740960). The p.Met151Arg variant is interpreted as likely pathogenic.